The following is an entry in ClinVar:

ClinVar aggregate classification (germline): Uncertain significance (1 of 4 stars; one submission).

Allele frequency attached by ClinVar (database versions not stated): gnomAD 0.00001; TOPMed 0.00002; ESP Exome Variant Server 0.00008.
gnomAD v4.1: 32 of 1,613,978 alleles (0.002%); highest among the groups gnomAD compares: Non-Finnish European, 0.0025%; no homozygotes.

Submission:

GeneDx
Classification: Uncertain significance. Last evaluated: 2020-10-15. Review status: criteria provided, single submitter. Criteria: GeneDx Variant Classification Process June 2021. Collection method: clinical testing. Allele origin: germline. Affected: yes.
Comment: Not observed in large population cohorts (Lek et al., 2016); In silico analysis supports that this missense variant does not alter protein structure/function; Has not been previously published as pathogenic or benign to our knowledge

NM_014141.6(CNTNAP2):c.853G>C (p.Gly285Arg)

Gene: CNTNAP2 (contactin associated protein 2; plus strand). Cytogenetic location: 7q35.
Variant type: single nucleotide variant.
Coding change: c.853G>C on transcript NM_014141.6 (MANE Select); coding-DNA position 853, G replaced by C.
Protein change: p.Gly285Arg; replaces glycine 285 with arginine.
Molecular consequence: missense variant.
Genome position (GRCh38, 1-based): chr7:147,121,077, G>C. VCF-style: chr7-147121077-G-C. GRCh37 (hg19) VCF-style: chr7-146818169-G-C.
Other names: short protein forms G285R.
Identifiers: ClinVar variation 1320438 (VCV001320438.2), dbSNP rs369908803, ClinGen allele CA168689478.